The following is an entry in ClinVar:

NM_015267.4(CUX2):c.1259-6T>C

Gene: CUX2 (cut like homeobox 2; plus strand). Cytogenetic location: 12q24.12.
Variant type: single nucleotide variant.
Coding change: c.1259-6T>C on transcript NM_015267.4 (MANE Select); 6 bases into the intron before coding-DNA position 1259, T replaced by C.
Molecular consequence: intron variant.
Genome position (GRCh38, 1-based): chr12:111,310,035, T>C. VCF-style: chr12-111310035-T-C. GRCh37 (hg19) VCF-style: chr12-111747839-T-C.
Other names: c.1073-6T>C (NM_001370598.1).
Identifiers: ClinVar variation 714570 (VCV000714570.12), dbSNP rs140435518, ClinGen allele CA6788637.

ClinVar aggregate classification (germline): Benign/Likely benign. Review status: criteria provided, multiple submitters, no conflicts (2 of 4 stars). 4 submissions from 4 submitters: Benign (3); Likely benign (1). Last evaluated 2026-06-01.

Allele frequency attached by ClinVar (database versions not stated): gnomAD exomes 0.00032 and 0.00131; ESP Exome Variant Server 0.00271; ExAC 0.00313; gnomAD 0.00391 and 0.00419; 1000 Genomes Project 0.00439; TOPMed 0.00463; 1000 Genomes Project 30x 0.00468.
gnomAD v4.1: 978 of 1,311,820 alleles (0.075%); highest among the groups gnomAD compares: African/African-American, 1.4%; 11 homozygotes.

Submissions (4):

CeGaT Center for Human Genetics Tuebingen
Classification: Benign. Last evaluated: 2026-06-01. Review status: criteria provided, single submitter. Criteria: CeGaT Center For Human Genetics Tuebingen Variant Classification Criteria Version 2. Collection method: clinical testing. Allele origin: germline. Affected: yes. Observed: 2 variant alleles.
Comment: CUX2: BP4, BS1, BS2

Blueprint Genetics
Classification: Likely benign. Last evaluated: 2024-04-15. Review status: criteria provided, single submitter. Criteria: ACMG Guidelines, 2015. Collection method: clinical testing. Allele origin: germline.

Labcorp Genetics (formerly Invitae), Labcorp
Classification: Benign. Last evaluated: 2019-12-31. Review status: criteria provided, single submitter. Criteria: Invitae Variant Classification Sherloc (09022015). Collection method: clinical testing. Allele origin: germline.

Breakthrough Genomics
Classification: Benign. Review status: criteria provided, single submitter. Criteria: ACMG Guidelines, 2015. Collection method: not provided. Allele origin: germline. Inheritance: Autosomal dominant inheritance. Affected: yes.